The following is an entry in ClinVar:

ClinVar aggregate classification (germline): Uncertain significance (0 of 4 stars; one submission).

Conditions:
von Willebrand disease type 3 (VWD3). Also called: Type 3 Von Willebrand's disease; Type 3 VWD; Von Willebrand disease, severe form; V WD3; VON WILLEBRAND DISEASE, TYPE III. Identifiers: Orphanet 166096, MedGen C1264041, MONDO:0010191, OMIM 277480.

Submission:

Angelo Bianchi Bonomi Hemophilia and Thrombosis Center, Fondazione IRCCS Ca Granda Ospedale Maggiore Policlinico
Classification: Uncertain significance for von Willebrand disease type 3. Last evaluated: 2020-11-01. Review status: no assertion criteria provided. Collection method: clinical testing. Allele origin: germline. Affected: yes. Study: Type 3 Von Willebrand International Registries Inhibitor Prospective Study (3WINTERS-IPS).
Comment: ClinGen Pathogenicity Calculator

NM_000552.5(VWF):c.8323T>C (p.Ser2775Pro)

Gene: VWF (von Willebrand factor; minus strand). Cytogenetic location: 12p13.31.
Variant type: single nucleotide variant.
Coding change: c.8323T>C on transcript NM_000552.5 (MANE Select); coding-DNA position 8323, T replaced by C.
Protein change: p.Ser2775Pro; replaces serine 2775 with proline.
Molecular consequence: missense variant.
Genome position (GRCh38, 1-based): chr12:5,949,134, A>G on the plus strand (T>C on the coding strand, the complement: VWF is on the minus strand). VCF-style: chr12-5949134-A-G. GRCh37 (hg19) VCF-style: chr12-6058300-A-G.
Other names: short protein forms S2775P.
Identifiers: ClinVar variation 1065227 (VCV001065227.3), dbSNP rs2136336278, ClinGen allele CA383486616.